The following is an entry in ClinVar:

NM_022072.5(NSUN3):c.287C>A (p.Thr96Asn)

Gene: NSUN3 (NOP2/Sun RNA methyltransferase 3; plus strand). Cytogenetic location: 3q11.2.
Variant type: single nucleotide variant.
Coding change: c.287C>A on transcript NM_022072.5 (MANE Select); coding-DNA position 287, C replaced by A.
Protein change: p.Thr96Asn; replaces threonine 96 with asparagine.
Molecular consequence: missense variant.
Genome position (GRCh38, 1-based): chr3:94,084,271, C>A. VCF-style: chr3-94084271-C-A. GRCh37 (hg19) VCF-style: chr3-93803115-C-A.
Other names: short protein forms T96N.
Identifiers: ClinVar variation 1985229 (VCV001985229.5), dbSNP rs552880305, ClinGen allele CA2504674.

ClinVar aggregate classification (germline): Uncertain significance. Review status: criteria provided, multiple submitters, no conflicts (2 of 4 stars). 2 submissions from 2 submitters: Uncertain significance (2). Last evaluated 2025-02-24.

Conditions:
Inborn genetic diseases. Identifiers: MedGen C0950123, MeSH D030342.

Allele frequency attached by ClinVar (database versions not stated): gnomAD 0.00001; TOPMed 0.00001.
gnomAD v4.1: 16 of 1,614,108 alleles (0.00099%); highest among the groups gnomAD compares: African/African-American, 0.011%; no homozygotes.

Submissions (2):

Labcorp Genetics (formerly Invitae), Labcorp
Classification: Uncertain significance. Last evaluated: 2025-02-24. Review status: criteria provided, single submitter. Criteria: Invitae Variant Classification Sherloc (09022015). Collection method: clinical testing. Allele origin: germline.
Comment: This sequence change replaces threonine, which is neutral and polar, with asparagine, which is neutral and polar, at codon 96 of the NSUN3 protein (p.Thr96Asn). This variant is present in population databases (rs552880305, gnomAD 0.003%). This variant has not been reported in the literature in individuals affected with NSUN3-related conditions. ClinVar contains an entry for this variant (Variation ID: 1985229). An algorithm developed to predict the effect of missense changes on protein structure and function (PolyPhen-2) suggests that this variant is likely to be tolerated. In summary, the available evidence is currently insufficient to determine the role of this variant in disease. Therefore, it has been classified as a Variant of Uncertain Significance.

Ambry Genetics
Classification: Uncertain significance for Inborn genetic diseases. Last evaluated: 2022-06-24. Review status: criteria provided, single submitter. Criteria: Ambry Variant Classification Scheme 2023. Collection method: clinical testing. Allele origin: germline.